The following is an entry in ClinVar:

NM_005359.6(SMAD4):c.892C>A (p.Pro298Thr)

Gene: SMAD4 (SMAD family member 4; plus strand). Cytogenetic location: 18q21.2.
Variant type: single nucleotide variant.
Coding change: c.892C>A on transcript NM_005359.6 (MANE Select); coding-DNA position 892, C replaced by A.
Protein change: p.Pro298Thr; replaces proline 298 with threonine.
Molecular consequence: missense variant.
Genome position (GRCh38, 1-based): chr18:51,058,444, C>A. VCF-style: chr18-51058444-C-A. GRCh37 (hg19) VCF-style: chr18-48584814-C-A.
Other names: short protein forms P298T.
Identifiers: ClinVar variation 1386467 (VCV001386467.6), dbSNP rs2144429377, ClinGen allele CA402463594.

ClinVar aggregate classification (germline): Uncertain significance (1 of 4 stars; one submission).

Conditions:
Juvenile polyposis syndrome (JPS). Identifiers: Orphanet 2929, MedGen C0345893, MONDO:0017380, OMIM 174900.

Allele frequency attached by ClinVar (database versions not stated): gnomAD exomes below 0.00001.
gnomAD v4.1: 1 of 1,612,770 alleles (0.000062%); highest among the groups gnomAD compares: Non-Finnish European, 0.000085%; no homozygotes.

Submission:

Labcorp Genetics (formerly Invitae), Labcorp
Classification: Uncertain significance for Juvenile polyposis syndrome. Last evaluated: 2022-02-18. Review status: criteria provided, single submitter. Criteria: Invitae Variant Classification Sherloc (09022015). Collection method: clinical testing. Allele origin: germline.
Comment: This variant is not present in population databases (gnomAD no frequency). In summary, the available evidence is currently insufficient to determine the role of this variant in disease. Therefore, it has been classified as a Variant of Uncertain Significance. Advanced modeling of protein sequence and biophysical properties (such as structural, functional, and spatial information, amino acid conservation, physicochemical variation, residue mobility, and thermodynamic stability) performed at Invitae indicates that this missense variant is not expected to disrupt SMAD4 protein function. This variant has not been reported in the literature in individuals affected with SMAD4-related conditions. This sequence change replaces proline, which is neutral and non-polar, with threonine, which is neutral and polar, at codon 298 of the SMAD4 protein (p.Pro298Thr).